The following is an entry in ClinVar:

NM_001017420.3(ESCO2):c.*397A>G

Gene: ESCO2 (establishment of sister chromatid cohesion N-acetyltransferase 2; plus strand). Cytogenetic location: 8p21.1.
Variant type: single nucleotide variant.
Coding change: c.*397A>G on transcript NM_001017420.3 (MANE Select); 397 bases downstream of the stop codon, A replaced by G.
Molecular consequence: 3 prime UTR variant.
Genome position (GRCh38, 1-based): chr8:27,803,835, A>G. VCF-style: chr8-27803835-A-G. GRCh37 (hg19) VCF-style: chr8-27661352-A-G.
Identifiers: ClinVar variation 908092 (VCV000908092.4), dbSNP rs529251667, ClinGen allele CA174274381.

ClinVar aggregate classification (germline): Likely benign (1 of 4 stars; one submission).

Conditions:
Roberts-SC phocomelia syndrome (RBS). Also called: LONG BONE DEFICIENCIES ASSOCIATED WITH CLEFT LIP-PALATE; Hypomelia hypotrichosis facial hemangioma syndrome; ESCO2 Spectrum Disorder; Pseudothalidomide syndrome; Appelt-Gerken-Lenz syndrome. Identifiers: Orphanet 3103, MedGen C0392475, MONDO:0100253, OMIM 268300.

Allele frequency attached by ClinVar (database versions not stated): gnomAD below 0.00001 and 0.00013; TOPMed 0.00002; gnomAD exomes 0.00004; 1000 Genomes Project 30x 0.00141; 1000 Genomes Project 0.00220.
gnomAD v4.1: 61 of 990,846 alleles (0.0062%); highest among the groups gnomAD compares: South Asian, 0.24%; no homozygotes.

Submission:

Illumina Laboratory Services, Illumina
Classification: Likely benign for Roberts-SC phocomelia syndrome. Last evaluated: 2018-01-13. Review status: criteria provided, single submitter. Criteria: ICSL Variant Classification Criteria 13 December 2019. Collection method: clinical testing. Allele origin: germline.
Comment: This variant was observed in the ICSL laboratory as part of a predisposition screen in an ostensibly healthy population. It had not been previously curated by ICSL or reported in the Human Gene Mutation Database (HGMD: prior to June 1st, 2018), and was therefore a candidate for classification through an automated scoring system. Utilizing variant allele frequency, disease prevalence and penetrance estimates, and inheritance mode, an automated score was calculated to assess if this variant is too frequent to cause the disease. Based on the score and internal cut-off values, a variant classified as likely benign is not then subjected to further curation. The score for this variant resulted in a classification of likely benign for this disease.